The following is an entry in ClinVar:

NM_004990.4(MARS1):c.227A>C (p.Glu76Ala)

Gene: MARS1 (methionyl-tRNA synthetase 1; plus strand). Cytogenetic location: 12q13.3.
Variant type: single nucleotide variant.
Coding change: c.227A>C on transcript NM_004990.4 (MANE Select); coding-DNA position 227, A replaced by C.
Protein change: p.Glu76Ala; replaces glutamic acid 76 with alanine.
Molecular consequence: missense variant.
Genome position (GRCh38, 1-based): chr12:57,489,293, A>C. VCF-style: chr12-57489293-A-C. GRCh37 (hg19) VCF-style: chr12-57883076-A-C.
Other names: short protein forms E76A.
Identifiers: ClinVar variation 2944711 (VCV002944711.3), dbSNP rs2540255899, ClinGen allele CA385490738.

ClinVar aggregate classification (germline): Uncertain significance (1 of 4 stars; one submission).

Conditions:
Severe early-onset pulmonary alveolar proteinosis due to MARS deficiency. Also called: PULMONARY ALVEOLAR PROTEINOSIS, REUNION ISLAND; Interstitial lung and liver disease. Identifiers: Orphanet 440427, MedGen C4225400, MONDO:0014206, OMIM 615486.
Charcot-Marie-Tooth disease axonal type 2U. Also called: CHARCOT-MARIE-TOOTH NEUROPATHY, TYPE 2U; CHARCOT-MARIE-TOOTH DISEASE, AXONAL, AUTOSOMAL DOMINANT, TYPE 2U. Identifiers: Orphanet 397735, MedGen C4084821, MONDO:0014566, OMIM 616280.

Submission:

Labcorp Genetics (formerly Invitae), Labcorp
Classification: Uncertain significance for Charcot-Marie-Tooth disease axonal type 2U; Severe early-onset pulmonary alveolar proteinosis due to MARS deficiency. Last evaluated: 2023-02-25. Review status: criteria provided, single submitter. Criteria: Invitae Variant Classification Sherloc (09022015). Collection method: clinical testing. Allele origin: germline.
Comment: An algorithm developed to predict the effect of missense changes on protein structure and function (PolyPhen-2) suggests that this variant is likely to be tolerated. In summary, the available evidence is currently insufficient to determine the role of this variant in disease. Therefore, it has been classified as a Variant of Uncertain Significance. This variant has not been reported in the literature in individuals affected with MARS-related conditions. This sequence change replaces glutamic acid, which is acidic and polar, with alanine, which is neutral and non-polar, at codon 76 of the MARS protein (p.Glu76Ala). This variant is not present in population databases (gnomAD no frequency).